The following is an entry in ClinVar:

ClinVar aggregate classification (germline): Likely benign. Review status: criteria provided, multiple submitters, no conflicts (2 of 4 stars). 2 submissions from 2 submitters: Likely benign (2). Last evaluated 2026-01-28.

Conditions:
SLC12A3-related disorder. Also called: SLC12A3-related condition.

Allele frequency attached by ClinVar (database versions not stated): gnomAD exomes 0.00006 and 0.00034; gnomAD 0.00008 and 0.00009; TOPMed 0.00018; ExAC 0.00023.
gnomAD v4.1: 103 of 1,614,066 alleles (0.0064%); highest among the groups gnomAD compares: Admixed American, 0.16%; 1 homozygote.

Submissions (2):

Labcorp Genetics (formerly Invitae), Labcorp
Classification: Likely benign. Last evaluated: 2026-01-28. Review status: criteria provided, single submitter. Criteria: Invitae Variant Classification Sherloc (09022015). Collection method: clinical testing. Allele origin: germline.

PreventionGenetics, part of Exact Sciences
Classification: Likely benign for SLC12A3-related condition. Last evaluated: 2024-12-18. Review status: criteria provided, single submitter. Criteria: ACMG Guidelines, 2015. Collection method: clinical testing. Allele origin: germline.
Comment: This variant is classified as likely benign based on ACMG/AMP sequence variant interpretation guidelines (Richards et al. 2015 PMID: 25741868, with internal and published modifications).

NM_001126108.2(SLC12A3):c.2672A>G (p.His891Arg)

Gene: SLC12A3 (solute carrier family 12 member 3; plus strand). Cytogenetic location: 16q13.
Variant type: single nucleotide variant.
Coding change: c.2672A>G on transcript NM_001126108.2 (MANE Select); coding-DNA position 2672, A replaced by G.
Protein change: p.His891Arg; replaces histidine 891 with arginine.
Molecular consequence: missense variant.
Genome position (GRCh38, 1-based): chr16:56,899,568, A>G. VCF-style: chr16-56899568-A-G. GRCh37 (hg19) VCF-style: chr16-56933480-A-G.
Other names: c.2699A>G, p.His900Arg (NM_000339.3); c.2696A>G, p.His899Arg (NM_001126107.2); short protein forms H891R, H900R, H899R.
Identifiers: ClinVar variation 728408 (VCV000728408.10), dbSNP rs745597855, ClinGen allele CA8070014.